The following is an entry in ClinVar:

ClinVar aggregate classification (germline): Uncertain significance. Review status: criteria provided, multiple submitters, no conflicts (2 of 4 stars). 2 submissions from 2 submitters: Uncertain significance (2). Last evaluated 2025-12-14.

Conditions:
Inborn genetic diseases. Identifiers: MedGen C0950123, MeSH D030342.

Allele frequency attached by ClinVar (database versions not stated): gnomAD exomes below 0.00001.
gnomAD v4.1: 2 of 1,614,114 alleles (0.00012%); highest among the groups gnomAD compares: Non-Finnish European, 0.00017%; no homozygotes.

Submissions (2):

Labcorp Genetics (formerly Invitae), Labcorp
Classification: Uncertain significance. Last evaluated: 2025-12-14. Review status: criteria provided, single submitter. Criteria: Invitae Variant Classification Sherloc (09022015). Collection method: clinical testing. Allele origin: germline.
Comment: This sequence change replaces phenylalanine, which is neutral and non-polar, with cysteine, which is neutral and slightly polar, at codon 220 of the GHSR protein (p.Phe220Cys). This variant is not present in population databases (gnomAD no frequency). This variant has not been reported in the literature in individuals affected with GHSR-related conditions. ClinVar contains an entry for this variant (Variation ID: 3099747). Invitae Evidence Modeling of protein sequence and biophysical properties (such as structural, functional, and spatial information, amino acid conservation, physicochemical variation, residue mobility, and thermodynamic stability) indicates that this missense variant is not expected to disrupt GHSR protein function with a negative predictive value of 80%. In summary, the available evidence is currently insufficient to determine the role of this variant in disease. Therefore, it has been classified as a Variant of Uncertain Significance.

Ambry Genetics
Classification: Uncertain significance for Inborn genetic diseases. Last evaluated: 2024-01-24. Review status: criteria provided, single submitter. Criteria: Ambry Variant Classification Scheme 2023. Collection method: clinical testing. Allele origin: germline.

NM_198407.2(GHSR):c.659T>G (p.Phe220Cys)

Gene: GHSR (growth hormone secretagogue receptor; minus strand). Cytogenetic location: 3q26.31.
Variant type: single nucleotide variant.
Coding change: c.659T>G on transcript NM_198407.2 (MANE Select); coding-DNA position 659, T replaced by G.
Protein change: p.Phe220Cys; replaces phenylalanine 220 with cysteine.
Molecular consequence: missense variant.
Genome position (GRCh38, 1-based): chr3:172,447,755, A>C on the plus strand (T>G on the coding strand, the complement: GHSR is on the minus strand). VCF-style: chr3-172447755-A-C. GRCh37 (hg19) VCF-style: chr3-172165545-A-C.
Other names: c.659T>G, p.Phe220Cys (NM_004122.2); short protein forms F220C.
Identifiers: ClinVar variation 3099747 (VCV003099747.3), dbSNP rs1560129425, ClinGen allele CA355513953.